The following is an entry in ClinVar:

ClinVar aggregate classification (germline): Uncertain significance (1 of 4 stars; one submission).

Submission:

Ambry Genetics
Classification: Uncertain significance. Last evaluated: 2026-03-12. Review status: criteria provided, single submitter. Criteria: Ambry Variant Classification Scheme 2023. Collection method: clinical testing. Allele origin: germline.
Comment: The p.N629K variant (also known as c.1887C>A), located in coding exon 14 of the RECQL gene, results from a C to A substitution at nucleotide position 1887. The asparagine at codon 629 is replaced by lysine, an amino acid with similar properties. This amino acid position is conserved. In addition, this alteration is predicted to be tolerated by in silico analysis. Based on the available evidence, the clinical significance of this variant remains unclear.

NM_002907.4(RECQL):c.1887C>A (p.Asn629Lys)

Genes: PYROXD1 (pyridine nucleotide-disulphide oxidoreductase domain 1; plus strand), RECQL (RecQ like helicase; minus strand). Cytogenetic location: 12p12.1.
Variant type: single nucleotide variant.
Coding change: c.1887C>A on transcript NM_002907.4 (MANE Select); coding-DNA position 1887, C replaced by A.
Protein change: p.Asn629Lys; replaces asparagine 629 with lysine.
Molecular consequence: missense variant. On other transcripts: 3 prime UTR variant (3).
Genome position (GRCh38, 1-based): chr12:21,470,257, G>T on the plus strand (C>A on the coding strand, the complement: RECQL is on the minus strand). VCF-style: chr12-21470257-G-T. GRCh37 (hg19) VCF-style: chr12-21623191-G-T.
Other names: c.1887C>A, p.Asn629Lys (NM_032941.3); c.*1503G>T (NM_001350912.2, NM_001350913.2, NM_024854.5); short protein forms N629K.
Identifiers: ClinVar variation 4826750 (VCV004826750.1).
Genomic context (GRCh38, chr12:21,470,257, plus strand): 5'-GGCATCATCGATTTTTCTTTTCTTAGCTCCTGTATTCTTAGAACCAGATTGCTGAAGCAT[G>T]TTTGCAGCCTTCTTCTGGAAGTTGCCTGAATTTTTTTCCTCCATCTTTTTATCACCTTGT-3'
Protein context (NP_002898.2, residues 619-639): NSGNFQKKAA[Asn629Lys]MLQQSGSKNT